The following is an entry in ClinVar:

ClinVar aggregate classification (germline): Benign/Likely benign. Review status: criteria provided, multiple submitters, no conflicts (2 of 4 stars). 6 submissions from 6 submitters: Benign (1); Likely benign (5). Last evaluated 2025-01-14.

Conditions:
Hereditary cancer-predisposing syndrome. Also called: Tumor predisposition; Neoplastic Syndromes, Hereditary; Hereditary neoplastic syndrome; Hereditary Cancer Syndrome. Identifiers: Orphanet 140162, MedGen C0027672, MeSH D009386, MONDO:0015356.
Familial cancer of breast. Also called: hereditary breast carcinoma; BREAST CANCER, FAMILIAL; Hereditary breast cancer. Identifiers: Orphanet 227535, MedGen C0346153, MONDO:0016419, OMIM 114480. Disease mechanism: loss of function.

Allele frequency attached by ClinVar (database versions not stated): gnomAD exomes below 0.00001; TOPMed below 0.00001; gnomAD 0.00001.
gnomAD v4.1: 2 of 1,614,088 alleles (0.00012%); highest among the groups gnomAD compares: African/African-American, 0.0027%; no homozygotes.

Submissions (6):

Myriad Genetics, Inc.
Classification: Benign for Familial cancer of breast. Last evaluated: 2025-01-14. Review status: criteria provided, single submitter. Criteria: Myriad Autosomal Dominant, Autosomal Recessive and X-Linked Classification Criteria (2023). Collection method: clinical testing. Allele origin: unknown.
Comment: This variant is considered benign. This variant is a silent/synonymous amino acid change and it is not expected to impact splicing.

Ambry Genetics
Classification: Likely benign for Hereditary cancer-predisposing syndrome. Last evaluated: 2025-01-01. Review status: criteria provided, single submitter. Criteria: Ambry Variant Classification Scheme 2023. Collection method: clinical testing. Allele origin: germline.

Labcorp Genetics (formerly Invitae), Labcorp
Classification: Likely benign for Familial cancer of breast. Last evaluated: 2023-07-29. Review status: criteria provided, single submitter. Criteria: Invitae Variant Classification Sherloc (09022015). Collection method: clinical testing. Allele origin: germline.

Quest Diagnostics Nichols Institute San Juan Capistrano
Classification: Likely benign. Last evaluated: 2023-01-23. Review status: criteria provided, single submitter. Criteria: Quest Diagnostics criteria. Collection method: clinical testing. Allele origin: unknown.

Color Diagnostics, LLC DBA Color Health
Classification: Likely benign for Hereditary cancer-predisposing syndrome. Last evaluated: 2022-03-17. Review status: criteria provided, single submitter. Criteria: ACMG Guidelines, 2015. Collection method: clinical testing. Allele origin: germline.

Women's Health and Genetics/Laboratory Corporation of America, LabCorp
Classification: Likely benign. Last evaluated: 2019-08-29. Review status: criteria provided, single submitter. Criteria: LabCorp Variant Classification Summary - May 2015. Collection method: clinical testing. Allele origin: germline.

NM_024675.4(PALB2):c.1569A>G (p.Ala523=)

Gene: PALB2 (partner and localizer of BRCA2; minus strand). Cytogenetic location: 16p12.2.
Variant type: single nucleotide variant.
Coding change: c.1569A>G on transcript NM_024675.4 (MANE Select); coding-DNA position 1569, A replaced by G.
Protein change: p.Ala523=; no amino-acid change (alanine 523 retained).
Molecular consequence: synonymous variant.
Genome position (GRCh38, 1-based): chr16:23,634,977, T>C on the plus strand (A>G on the coding strand, the complement: PALB2 is on the minus strand). VCF-style: chr16-23634977-T-C. GRCh37 (hg19) VCF-style: chr16-23646298-T-C.
Identifiers: ClinVar variation 633342 (VCV000633342.16), dbSNP rs1200825980, ClinGen allele CA494461271.